The following is an entry in ClinVar:

NM_145698.5(ACBD5):c.913A>G (p.Met305Val)

Gene: ACBD5 (acyl-CoA binding domain containing 5; minus strand). Cytogenetic location: 10p12.1.
Variant type: single nucleotide variant.
Coding change: c.913A>G on transcript NM_145698.5 (MANE Select); coding-DNA position 913, A replaced by G.
Protein change: p.Met305Val; replaces methionine 305 with valine.
Molecular consequence: missense variant.
Genome position (GRCh38, 1-based): chr10:27,215,558, T>C on the plus strand (A>G on the coding strand, the complement: ACBD5 is on the minus strand). VCF-style: chr10-27215558-T-C. GRCh37 (hg19) VCF-style: chr10-27504487-T-C.
Other names: c.808A>G, p.Met270Val (NM_001042473.4, NM_001352577.2, NM_001352578.2 and 1 more transcripts); c.907A>G, p.Met303Val (NM_001271512.3); c.586A>G, p.Met196Val (NM_001301251.2, NM_001301252.2, NM_001301253.2 and 2 more transcripts); c.382A>G, p.Met128Val (NM_001301254.2); c.967A>G, p.Met323Val (NM_001352568.1); c.946A>G, p.Met316Val (NM_001352569.1); c.913A>G, p.Met305Val (NM_001352570.1); c.940A>G, p.Met314Val (NM_001352571.1); and 10 more; short protein forms M128V, M246V, M248V, M270V, M281V, M196V, M202V, M207V.
Identifiers: ClinVar variation 1499763 (VCV001499763.8), dbSNP rs779535717, ClinGen allele CA5450792.
Genomic context (GRCh38, chr10:27,215,558, plus strand): 5'-CTTTGAAAATACACCAATCAGAAAATGTCATTTTTACCTCTTCTTGTCCAAATTGTTCCA[T>C]AGAATCACAGTAAACTTCACTGTCTGAATCGCTTGTCAAATGCTGAATTCCTGTAACATC-3'
Protein context (NP_663736.2, residues 295-315): DSDSEVYCDS[Met305Val]EQFGQEESLD

ClinVar aggregate classification (germline): Uncertain significance (1 of 4 stars; one submission).

Allele frequency attached by ClinVar (database versions not stated): gnomAD exomes 0.00001 and 0.00002; TOPMed 0.00001; ExAC 0.00003.
gnomAD v4.1: 9 of 1,613,096 alleles (0.00056%); highest among the groups gnomAD compares: African/African-American, 0.0027%; no homozygotes.

Submission:

Labcorp Genetics (formerly Invitae), Labcorp
Classification: Uncertain significance. Last evaluated: 2021-02-07. Review status: criteria provided, single submitter. Criteria: Invitae Variant Classification Sherloc (09022015). Collection method: clinical testing. Allele origin: germline.
Comment: This sequence change replaces methionine with valine at codon 305 of the ACBD5 protein (p.Met305Val). The methionine residue is moderately conserved and there is a small physicochemical difference between methionine and valine. This variant is present in population databases (rs779535717, ExAC 0.005%). This variant has not been reported in the literature in individuals with ACBD5-related conditions. Algorithms developed to predict the effect of missense changes on protein structure and function (SIFT, PolyPhen-2, Align-GVGD) all suggest that this variant is likely to be tolerated, but these predictions have not been confirmed by published functional studies and their clinical significance is uncertain. In summary, the available evidence is currently insufficient to determine the role of this variant in disease. Therefore, it has been classified as a Variant of Uncertain Significance.